The following is an entry in ClinVar:

NM_000545.8(HNF1A):c.1459A>G (p.Ser487Gly)

Gene: HNF1A (HNF1 homeobox A; plus strand). Cytogenetic location: 12q24.31.
Variant type: single nucleotide variant.
Coding change: c.1459A>G on transcript NM_000545.8 (MANE Select); coding-DNA position 1459, A replaced by G.
Protein change: p.Ser487Gly; replaces serine 487 with glycine.
Molecular consequence: missense variant. On other transcripts: intron variant (1).
Genome position (GRCh38, 1-based): chr12:120,997,623, A>G. VCF-style: chr12-120997623-A-G. GRCh37 (hg19) VCF-style: chr12-121435426-A-G.
Other names: c.1459A>G, p.Ser487Gly (NM_001306179.2); c.1309+881A>G (NM_001406915.1); short protein forms S487G.
Identifiers: ClinVar variation 3237446 (VCV003237446.1), dbSNP rs2135848048.
Genomic context (GRCh38, chr12:120,997,623, plus strand): 5'-CCGCTGCACCCCTCCTACCAGCAGCCGCTCATGCCACCTGTGCAGAGCCATGTGACCCAG[A>G]GCCCCTTCATGGCCACCATGGCTCAGCTGCAGAGCCCCCACGGTGAGCGCCCTGTGCCCC-3'
Protein context (NP_000536.6, residues 477-497): MPPVQSHVTQ[Ser487Gly]PFMATMAQLQ

ClinVar aggregate classification (germline): Uncertain significance (1 of 4 stars; one submission).

Conditions:
Maturity-onset diabetes of the young type 3. Also called: MODY type 3; MODY, type III. Identifiers: Orphanet 552, MedGen C1838100, MeSH C563933, MONDO:0010894, OMIM 600496. Disease mechanism: loss of function.

Submission:

Clinical Genomics Laboratory, Washington University in St. Louis
Classification: Uncertain significance for Maturity-onset diabetes of the young type 3. Last evaluated: 2024-05-06. Review status: criteria provided, single submitter. Criteria: ACMG Guidelines, 2015. Collection method: clinical testing. Allele origin: germline.
Comment: An HNF1A c.1459A>G (p.Ser487Gly) variant was identified in a heterozygous state. This variant, to our knowledge, has not been reported in the medical literature and is absent from the general population (gnomAD v.2.1.1), indicating it is not a common variant. Computational predictors are uncertain as to the impact of this variant on HNF1A function. Due to limited information, and based on the ACMG/AMP guidelines for variant interpretation (Richards S et al., PMID: 25741868) and the ClinGen Monogenic Diabetes Variant Curation expert panel, the clinical significance of this variant is uncertain at this time.